The following is an entry in ClinVar:

ClinVar aggregate classification (germline): Uncertain significance (1 of 4 stars; one submission).

Conditions:
Inborn genetic diseases. Identifiers: MedGen C0950123, MeSH D030342.

Submission:

Ambry Genetics
Classification: Uncertain significance for Inborn genetic diseases. Last evaluated: 2020-06-23. Review status: criteria provided, single submitter. Criteria: Ambry Variant Classification Scheme 2023. Collection method: clinical testing. Allele origin: germline.
Comment: The p.L28R variant (also known as c.83T>G), located in coding exon 1 of the NTRK1 gene, results from a T to G substitution at nucleotide position 83. The leucine at codon 28 is replaced by arginine, an amino acid with dissimilar properties. This amino acid position is highly conserved in available vertebrate species. In addition, the in silico prediction for this alteration is inconclusive. Since supporting evidence is limited at this time, the clinical significance of this alteration remains unclear.

NM_002529.4(NTRK1):c.83T>G (p.Leu28Arg)

Gene: NTRK1 (neurotrophic receptor tyrosine kinase 1; plus strand). Cytogenetic location: 1q23.1.
Variant type: single nucleotide variant.
Coding change: c.83T>G on transcript NM_002529.4 (MANE Select); coding-DNA position 83, T replaced by G.
Protein change: p.Leu28Arg; replaces leucine 28 with arginine.
Molecular consequence: missense variant. On other transcripts: intron variant (1).
Genome position (GRCh38, 1-based): chr1:156,861,017, T>G. VCF-style: chr1-156861017-T-G. GRCh37 (hg19) VCF-style: chr1-156830809-T-G.
Other names: c.83T>G, p.Leu28Arg (NM_001007204.1, NM_001012331.2); c.123-3337T>G (NM_001007792.1); short protein forms L28R.
Identifiers: ClinVar variation 1763250 (VCV001763250.2), dbSNP rs2525558110, ClinGen allele CA342929353.
Genomic context (GRCh38, chr1:156,861,017, plus strand): 5'-GGCAGCTTGGCTGGCACAGCTGGGCTGCGGGGCCGGGCAGCCTGCTGGCTTGGCTGATAC[T>G]GGCATCTGCGGGCGCCGCACCCTGCCCCGATGCCTGCTGCCCCCACGGCTCCTCGGGACT-3'
Protein context (NP_002520.2, residues 18-38): GPGSLLAWLI[Leu28Arg]ASAGAAPCPD